The following is an entry in ClinVar:

NM_000030.3(AGXT):c.557C>T (p.Ala186Val)

Gene: AGXT (alanine--glyoxylate aminotransferase; plus strand). Cytogenetic location: 2q37.3.
Variant type: single nucleotide variant.
Coding change: c.557C>T on transcript NM_000030.3 (MANE Select); coding-DNA position 557, C replaced by T.
Protein change: p.Ala186Val; replaces alanine 186 with valine.
Molecular consequence: missense variant.
Genome position (GRCh38, 1-based): chr2:240,873,011, C>T. VCF-style: chr2-240873011-C-T. GRCh37 (hg19) VCF-style: chr2-241812428-C-T.
Other names: short protein forms A186V.
Identifiers: ClinVar variation 92311 (VCV000092311.33), dbSNP rs117195882, ClinGen allele CA275550.

ClinVar aggregate classification (germline): Benign/Likely benign. Review status: criteria provided, multiple submitters, no conflicts (2 of 4 stars). 9 submissions from 9 submitters: Benign (3); Likely benign (5). 1 of the submissions does not count toward it. Last evaluated 2026-02-04.

Conditions:
Primary hyperoxaluria, type I (HP1). Also called: OXALOSIS I; GLYCOLIC ACIDURIA; HEPATIC AGT DEFICIENCY; Primary hyperoxaluria type 1. Identifiers: Orphanet 416, Orphanet 93598, MedGen C0268164, MONDO:0009823, OMIM 259900. Disease mechanism: loss of function.

Allele frequency attached by ClinVar (database versions not stated): gnomAD exomes 0.00454 and 0.01126; ESP Exome Variant Server 0.00069; gnomAD 0.00231 and 0.00409; TOPMed 0.00413; ExAC 0.01142; 1000 Genomes Project 30x 0.02498; 1000 Genomes Project 0.02616.
gnomAD v4.1: 7,306 of 1,613,864 alleles (0.45%); highest among the groups gnomAD compares: East Asian, 7.6%; 207 homozygotes.

Submissions (9):

Labcorp Genetics (formerly Invitae), Labcorp
Classification: Benign. Last evaluated: 2026-02-04. Review status: criteria provided, single submitter. Criteria: Invitae Variant Classification Sherloc (09022015). Collection method: clinical testing. Allele origin: germline.

Blueprint Genetics
Classification: Likely benign. Last evaluated: 2024-11-25. Review status: criteria provided, single submitter. Criteria: ACMG Guidelines, 2015. Collection method: clinical testing. Allele origin: germline.

Clinical Biochemistry Laboratory, Health Services Laboratory
Classification: Likely benign for Primary hyperoxaluria, type I. Last evaluated: 2023-10-27. Review status: criteria provided, single submitter. Criteria: ACMG Guidelines, 2015. Collection method: clinical testing. Allele origin: germline. Affected: yes.
Comment: Found in cis with c.590G>A in 2 unrelated individuals. ACMG:PM2 PP3 BP2 BP5

Fulgent Genetics
Classification: Likely benign for Primary hyperoxaluria, type I. Last evaluated: 2022-04-16. Review status: criteria provided, single submitter. Criteria: ACMG Guidelines, 2015. Collection method: clinical testing. Allele origin: unknown.

GeneDx
Classification: Benign. Last evaluated: 2020-04-07. Review status: criteria provided, single submitter. Criteria: GeneDx Variant Classification Process June 2021. Collection method: clinical testing. Allele origin: germline. Affected: yes.
Comment: This variant is associated with the following publications: (PMID: 30341509, 33457257)

Illumina Laboratory Services, Illumina
Classification: Likely benign for Primary hyperoxaluria, type I. Last evaluated: 2017-04-27. Review status: criteria provided, single submitter. Criteria: ICSL Variant Classification Criteria 13 December 2019. Collection method: clinical testing. Allele origin: germline.
Comment: This variant was observed as part of a predisposition screen in an ostensibly healthy population. A literature search was performed for the gene, cDNA change, and amino acid change (where applicable). No publications were found based on this search. Allele frequency data from public databases allowed determination this variant is unlikely to cause disease. Therefore, this variant is classified as likely benign.

Eurofins Ntd Llc (ga)
Classification: Benign. Last evaluated: 2015-08-24. Review status: criteria provided, single submitter. Criteria: EGL Classification Definitions 2015. Collection method: clinical testing. Allele origin: germline. Observed: 1 variant allele, 1 heterozygote.

Breakthrough Genomics
Classification: Likely benign. Review status: criteria provided, single submitter. Criteria: ACMG Guidelines, 2015. Collection method: not provided. Allele origin: germline. Inheritance: Autosomal recessive inheritance. Affected: yes.

Natera, Inc.
Classification: Benign for Primary hyperoxaluria type I. Last evaluated: 2019-11-15. Review status: no assertion criteria provided. Collection method: clinical testing. Allele origin: germline. Not counted in ClinVar's aggregate classification.